The following is an entry in ClinVar:

NM_015202.5(KATNIP):c.1103G>A (p.Ser368Asn)

Gene: KATNIP (katanin interacting protein; plus strand). Cytogenetic location: 16p12.1.
Variant type: single nucleotide variant.
Coding change: c.1103G>A on transcript NM_015202.5 (MANE Select); coding-DNA position 1103, G replaced by A.
Protein change: p.Ser368Asn; replaces serine 368 with asparagine.
Molecular consequence: missense variant.
Genome position (GRCh38, 1-based): chr16:27,698,490, G>A. VCF-style: chr16-27698490-G-A. GRCh37 (hg19) VCF-style: chr16-27709811-G-A.
Other names: c.1103G>A (NM_015202.2); short protein forms S368N.
Identifiers: ClinVar variation 2663746 (VCV002663746.2), dbSNP rs144876520, ClinGen allele CA7977563.

ClinVar aggregate classification (germline): Uncertain significance. Review status: criteria provided, multiple submitters, no conflicts (2 of 4 stars). 2 submissions from 2 submitters: Uncertain significance (2). Last evaluated 2025-06-22.

Allele frequency attached by ClinVar (database versions not stated): gnomAD 0.00002; TOPMed 0.00002; ExAC 0.00003; 1000 Genomes Project 30x 0.00031; 1000 Genomes Project 0.00040.
gnomAD v4.1: 23 of 1,609,386 alleles (0.0014%); highest among the groups gnomAD compares: East Asian, 0.051%; no homozygotes.

Submissions (2):

Ambry Genetics
Classification: Uncertain significance. Last evaluated: 2025-06-22. Review status: criteria provided, single submitter. Criteria: Ambry Variant Classification Scheme 2023. Collection method: clinical testing. Allele origin: germline.

GeneDx
Classification: Uncertain significance. Last evaluated: 2023-04-03. Review status: criteria provided, single submitter. Criteria: GeneDx Variant Classification Process June 2021. Collection method: clinical testing. Allele origin: germline. Affected: yes.
Comment: In silico analysis supports that this missense variant does not alter protein structure/function; Has not been previously published as pathogenic or benign to our knowledge